The following continues an entry in ClinVar:

NM_012275.3(IL36RN):c.338C>T (p.Ser113Leu)

Gene: IL36RN. ClinVar aggregate classification (germline): Conflicting classifications of pathogenicity. Pathogenic (8); Likely pathogenic (4); Uncertain significance (3).

Submissions 10 to 17 of 17:

Labcorp Genetics (formerly Invitae), Labcorp
Classification: Uncertain significance for Generalized pustular psoriasis. Last evaluated: 2022-10-24. Review status: criteria provided, single submitter. Criteria: Invitae Variant Classification Sherloc (09022015). Collection method: clinical testing. Allele origin: germline.
Comment: This sequence change replaces serine, which is neutral and polar, with leucine, which is neutral and non-polar, at codon 113 of the IL36RN protein (p.Ser113Leu). This variant is present in population databases (rs144478519, gnomAD 0.7%), and has an allele count higher than expected for a pathogenic variant. This missense change has been observed in individual(s) with generalized pustular psoriasis (GPP), acrodermatitis continua of Hallopeau (ACH) (PMID: 21839423, 23303454, 23428889, 23648549, 25427108, 25458002, 26147717, 27388993, 28887889, 30036598). It has also been observed to segregate with disease in related individuals. Algorithms developed to predict the effect of missense changes on protein structure and function (SIFT, PolyPhen-2, Align-GVGD) all suggest that this variant is likely to be disruptive. Experimental studies have shown that this missense change affects IL36RN function (PMID: 27220475). In summary, the available evidence is currently insufficient to determine the role of this variant in disease. Therefore, it has been classified as a Variant of Uncertain Significance.

Genome Diagnostics Laboratory, The Hospital for Sick Children
Classification: Pathogenic for Autoinflammatory syndrome. Last evaluated: 2022-04-05. Review status: criteria provided, single submitter. Criteria: ACMG Guidelines, 2015. Collection method: clinical testing. Allele origin: germline. Affected: yes.

AiLife Diagnostics
Classification: Likely pathogenic. Last evaluated: 2022-03-30. Review status: criteria provided, single submitter. Criteria: ACMG Guidelines, 2015. Collection method: clinical testing. Allele origin: germline. Affected: yes. Observed: 3 variant alleles.

MGZ Medical Genetics Center
Classification: Uncertain significance for Acrodermatitis continua suppurativa of Hallopeau. Last evaluated: 2022-01-11. Review status: criteria provided, single submitter. Criteria: ACMG Guidelines, 2015. Collection method: clinical testing. Allele origin: germline. Affected: yes. Observed: 1 variant allele.
Comment: ACMG criteria applied: PS4_MOD, PM3, PS3_SUP, BS1

Illumina Laboratory Services, Illumina
Classification: Pathogenic for Acrodermatitis continua suppurativa of Hallopeau. Last evaluated: 2018-12-07. Review status: criteria provided, single submitter. Criteria: ICSL Variant Classification Criteria 09 May 2019. Collection method: clinical testing. Allele origin: germline.
Comment: Across a selection of the available literature, the IL36RN c.338C>T (p.Ser113Leu) missense variant has been identified in six patients in a homozygous state, in five patients in a compound heterozygous state, and in two patients in a heterozygous state. One heterozygous individual carried additional variants in the CARD14 gene (Onoufriadis et al. 2011; Setta-Kaffetzi et al. 2013; Abbas et al. 2013; Korber et al. 2013). The variant was also found in a heterozygous state in unaffected parents and was absent from 440 control individuals (Onoufriadis et al. 2011; Korber et al. 2013). This variant is reported at a frequency of 0.006635 in the European (non-Finnish) population of the Genome Aggregation Database. Two studies have evaluated the functional impact of this variant. Tauber et al. (2016) transfected the p.Ser113Leu variant form of the IL-36Ra protein into HEK293 cells and observed reduced protein expression. In addition, there was a decreased inhibitory effect on NF-kB activity compared to wild type activity. In a second study, Setta-Kaffetzi et al. (2013) used peripheral blood mononuclear cells from one patient who was homozygous for the p.Ser113Leu variant and one unrelated healthy individual and observed increased cytokine production in the presence of the variant compared to the control. Based on the collective evidence, the p.Ser113Leu variant is classified as pathogenic for generalized pustular psoriasis. This variant was observed by ICSL as part of a predisposition screen in an ostensibly healthy population.

Seattle Children's Hospital Molecular Genetics Laboratory, Seattle Children's Hospital
Classification: Pathogenic for Acrodermatitis continua suppurativa of Hallopeau. Review status: criteria provided, single submitter. Criteria: ACMG Guidelines, 2015. Collection method: clinical testing. Allele origin: germline. Affected: yes.
Comment: The IL36RN p.Ser113Leu variant has been identified as a homozygous change or in trans with a second pathogenic IL36RN variant in multiple individuals with pustular psoriasis (PMID: 21839423, 23303454, 25427108 and others). It is also present in large population studies (815 heterozygous individuals, 1 homozygous individual, gnomAD v2.1.1). The relatively high frequency of this variant in the European population is thought to be due to a founder effect (PMID: 23303454). Functional studies have shown that the p.Ser113Leu variant is a hypomorphic allele that alters hydrophobic interactions within IL-36Ra as well as decreases protein levels (PMID: 27220475). Based on the ACMG/AMP guidelines, we classify the IL36RN p.Ser113Leu variant as a pathogenic change (PMID: 25741868).

Zotz-Klimas Genetics Lab, MVZ Zotz Klimas
Classification: Likely pathogenic for Acrodermatitis continua suppurativa of Hallopeau. Last evaluated: 2023-10-09. Review status: no assertion criteria provided. Collection method: clinical testing. Allele origin: germline. Affected: yes. Not counted in ClinVar's aggregate classification.

OMIM
Classification: Pathogenic for PSORIASIS 14, PUSTULAR. Last evaluated: 2013-11-01. Review status: no assertion criteria provided. Collection method: literature only. Allele origin: germline. Not counted in ClinVar's aggregate classification.

Literature cited by the submitters: PubMed 30036598 (cited by 4 submitters); PubMed 28887889 (cited by 3 submitters); PubMed 21839423 (cited by 8 submitters); PubMed 23303454 (cited by 8 submitters); PubMed 27220475 (cited by 7 submitters); PubMed 25427108 (cited by 5 submitters); PubMed 34973310 (cited by Variantyx, Inc.); PubMed 28194751 (cited by Variantyx, Inc.); PubMed 23428889 (cited by 6 submitters); PubMed 26147717 (cited by 3 submitters); PubMed 37414245 (cited by Variantyx, Inc.); PubMed 23648549 (cited by 5 submitters); PubMed 23792462 (cited by Mayo Clinic Laboratories, Mayo Clinic and AiLife Diagnostics); PubMed 25458002 (cited by 3 submitters); PubMed 27388993 (cited by 3 submitters); PubMed 29030861 (cited by Mayo Clinic Laboratories, Mayo Clinic and AiLife Diagnostics); PubMed 32301172 (cited by Mayo Clinic Laboratories, Mayo Clinic); PubMed 6147717 (cited by Mayo Clinic Laboratories, Mayo Clinic); PubMed 30609409 (cited by AiLife Diagnostics); PubMed 25989471 (cited by AiLife Diagnostics).